The following is an entry in ClinVar:

NM_000163.5(GHR):c.1168T>C (p.Cys390Arg)

Gene: GHR (growth hormone receptor; plus strand). Cytogenetic location: 5p12.
Variant type: single nucleotide variant.
Coding change: c.1168T>C on transcript NM_000163.5 (MANE Select); coding-DNA position 1168, T replaced by C.
Protein change: p.Cys390Arg; replaces cysteine 390 with arginine.
Molecular consequence: missense variant. On other transcripts: 3 prime UTR variant (1).
Genome position (GRCh38, 1-based): chr5:42,718,675, T>C. VCF-style: chr5-42718675-T-C. GRCh37 (hg19) VCF-style: chr5-42718777-T-C.
Other names: c.1189T>C, p.Cys397Arg (NM_001242399.2); c.1168T>C, p.Cys390Arg (NM_001242400.2, NM_001242401.4, NM_001242402.2 and 4 more transcripts); c.1102T>C, p.Cys368Arg (NM_001242460.2); c.*210T>C (NM_001242462.1); short protein forms C368R, C397R, C390R.
Identifiers: ClinVar variation 2042552 (VCV002042552.4), dbSNP rs1758850477, ClinGen allele CA359629628.
Genomic context (GRCh38, chr5:42,718,675, plus strand): 5'-CATGAGAAATCACATAGTAACCTAGGGGTGAAGGATGGCGACTCTGGACGTACCAGCTGT[T>C]GTGAACCTGACATTCTGGAGACTGATTTCAATGCCAATGACATACATGAGGGTACCTCAG-3'
Protein context (NP_000154.1, residues 380-400): KDGDSGRTSC[Cys390Arg]EPDILETDFN

ClinVar aggregate classification (germline): Uncertain significance (1 of 4 stars; one submission).

Allele frequency attached by ClinVar (database versions not stated): TOPMed below 0.00001.

Submission:

Labcorp Genetics (formerly Invitae), Labcorp
Classification: Uncertain significance. Last evaluated: 2022-07-05. Review status: criteria provided, single submitter. Criteria: Invitae Variant Classification Sherloc (09022015). Collection method: clinical testing. Allele origin: germline.
Comment: Algorithms developed to predict the effect of missense changes on protein structure and function are either unavailable or do not agree on the potential impact of this missense change (SIFT: "Deleterious"; PolyPhen-2: "Benign"; Align-GVGD: "Class C0"). In summary, the available evidence is currently insufficient to determine the role of this variant in disease. Therefore, it has been classified as a Variant of Uncertain Significance. This variant has not been reported in the literature in individuals affected with GHR-related conditions. This variant is not present in population databases (gnomAD no frequency). This sequence change replaces cysteine, which is neutral and slightly polar, with arginine, which is basic and polar, at codon 390 of the GHR protein (p.Cys390Arg).